The following is an entry in ClinVar:

NM_201525.4(ADGRG1):c.112C>T (p.Arg38Trp)

Gene: ADGRG1 (adhesion G protein-coupled receptor G1; plus strand). Cytogenetic location: 16q21.
Variant type: single nucleotide variant.
Coding change: c.112C>T on transcript NM_201525.4 (MANE Select); coding-DNA position 112, C replaced by T.
Protein change: p.Arg38Trp; replaces arginine 38 with tryptophan.
Molecular consequence: missense variant. On other transcripts: 5 prime UTR variant (5), splice donor variant (1), intron variant (1).
Genome position (GRCh38, 1-based): chr16:57,651,247, C>T. VCF-style: chr16-57651247-C-T. GRCh37 (hg19) VCF-style: chr16-57685159-C-T.
Other names: c.112C>T, p.Arg38Trp (NM_001145770.3, NM_001145771.3, NM_001145772.3 and 16 more transcripts); c.127C>T, p.Arg43Trp (NM_001145773.3, NM_001370433.1); c.-414C>T (NM_001290143.2, NM_001290144.2, NM_001370451.1 and 2 more transcripts); c.110+2C>T (NM_001290142.2); c.65-109C>T (NM_001370442.1); c.112C>T (NM_005682.5, NM_005682.6); short protein forms R38W, R43W.
Identifiers: ClinVar variation 5829 (VCV000005829.32), dbSNP rs121908462, ClinGen allele CA253607.

ClinVar aggregate classification (germline): Conflicting classifications of pathogenicity. Review status: criteria provided, conflicting classifications (1 of 4 stars). 7 submissions from 7 submitters: Pathogenic (3); Likely pathogenic (2); Uncertain significance (1). 1 of the submissions does not count toward it. Last evaluated 2025-05-28.

Conditions:
Polymicrogyria, bilateral perisylvian, autosomal recessive (CDCBM14B). Also called: CORTICAL DYSPLASIA, COMPLEX, WITH OTHER BRAIN MALFORMATIONS 14B (BILATERAL PERISYLVIAN). Identifiers: MedGen C3810405, MONDO:0014333, OMIM 615752.
Bilateral frontoparietal polymicrogyria. Also called: CEREBELLAR ATAXIA WITH NEURONAL MIGRATION DEFECT; CORTICAL DYSPLASIA, COMPLEX, WITH OTHER BRAIN MALFORMATIONS 14A (BILATERAL FRONTOPARIETAL). Identifiers: Orphanet 101070, MedGen C1847352, MONDO:0011738, OMIM 606854.
Inborn genetic diseases. Identifiers: MedGen C0950123, MeSH D030342.
Abnormality of the nervous system. Also called: Congenital nervous system disorder. Identifiers: MedGen C0497552, MONDO:0002320, HP:0000707.

Allele frequency attached by ClinVar (database versions not stated): ExAC 0.00001; TOPMed 0.00001.

Submissions (7):

First Genomix Gene Laboratory, Genetic Diagnostics Department
Classification: Pathogenic for Bilateral frontoparietal polymicrogyria; Polymicrogyria, bilateral perisylvian, autosomal recessive. Last evaluated: 2025-05-28. Review status: criteria provided, single submitter. Criteria: ACMG Guidelines, 2015. Collection method: clinical testing. Allele origin: germline. Inheritance: Autosomal recessive inheritance. Affected: no. Observed: 1 variant allele.

Natera, Inc.
Classification: Likely pathogenic for Bilateral frontoparietal polymicrogyria. Last evaluated: 2024-10-31. Review status: criteria provided, single submitter. Criteria: Natera Variant Classification Schema (03/2026). Collection method: clinical testing. Allele origin: germline.
Comment: The c.112C>T variant in ADGRG1 is a missense variant predicted to cause substitution of arginine to tryptophan at amino acid 38. This variant is rare in the general population with a frequency below the threshold expected for the associated phenotype(s). This variant has been observed in one or more individuals affected with the associated recessive disease, as either homozygous or compound heterozygous with a second variant (PMID: 16240336). Additionally, this variant has been observed to segregate in affected family members (PMID: 15044805). Functional studies show that this variant may disrupt protein function (PMID: 18042463, 21349848, 27068534). Computational prediction algorithms indicate this variant is likely to affect gene or protein function. Given the available evidence, this variant is classified as Likely Pathogenic.

Women's Health and Genetics/Laboratory Corporation of America, LabCorp
Classification: Pathogenic for Bilateral frontoparietal polymicrogyria. Last evaluated: 2024-07-24. Review status: criteria provided, single submitter. Criteria: LabCorp Variant Classification Summary - May 2015. Collection method: clinical testing. Allele origin: germline.
Comment: Variant summary: ADGRG1 c.112C>T (p.Arg38Trp) results in a non-conservative amino acid change located in the PTX/LNS-Like (PLL) domain (IPR040679) of the encoded protein sequence. Four of five in-silico tools predict a damaging effect of the variant on protein function. The variant allele was found at a frequency of 4e-06 in 251474 control chromosomes. c.112C>T has been reported in the literature in multiple homozygous individuals affected with Polymicrogyria, Bilateral Frontoparietal (e.g. Piao_2004, Piao_2005). These data indicate that the variant is very likely to be associated with disease. At least one publication reports experimental evidence evaluating an impact on protein function. The most pronounced variant effect results in abolished ligand binding ability in HEK293T cells (Luo_2012). The following publications have been ascertained in the context of this evaluation (PMID: 22238662, 16240336, 15044805). ClinVar contains an entry for this variant (Variation ID: 5829). Based on the evidence outlined above, the variant was classified as pathogenic.

Labcorp Genetics (formerly Invitae), Labcorp
Classification: Pathogenic. Last evaluated: 2023-12-12. Review status: criteria provided, single submitter. Criteria: Invitae Variant Classification Sherloc (09022015). Collection method: clinical testing. Allele origin: germline.
Comment: This sequence change replaces arginine, which is basic and polar, with tryptophan, which is neutral and slightly polar, at codon 38 of the ADGRG1 protein (p.Arg38Trp). This variant is not present in population databases (gnomAD no frequency). This missense change has been observed in individuals with bilateral frontoparietal polymicrogyria (PMID: 15044805, 16240336). It has also been observed to segregate with disease in related individuals. ClinVar contains an entry for this variant (Variation ID: 5829). Advanced modeling of protein sequence and biophysical properties (such as structural, functional, and spatial information, amino acid conservation, physicochemical variation, residue mobility, and thermodynamic stability) has been performed at Invitae for this missense variant, however the output from this modeling did not meet the statistical confidence thresholds required to predict the impact of this variant on ADGRG1 protein function. Experimental studies have shown that this missense change affects ADGRG1 function (PMID: 21349848, 22238662). This variant disrupts the p.Arg38 amino acid residue in ADGRG1. Other variant(s) that disrupt this residue have been determined to be pathogenic (PMID: 16240336, 17576745, 22238662, 23981349, 25922261). This suggests that this residue is clinically significant, and that variants that disrupt this residue are likely to be disease-causing. For these reasons, this variant has been classified as Pathogenic.

Ambry Genetics
Classification: Uncertain significance for Inborn genetic diseases. Last evaluated: 2022-09-15. Review status: criteria provided, single submitter. Criteria: Ambry Variant Classification Scheme 2023. Collection method: clinical testing. Allele origin: germline.

Kariminejad - Najmabadi Pathology & Genetics Center
Classification: Likely pathogenic for Abnormality of the nervous system. Last evaluated: 2021-07-10. Review status: criteria provided, single submitter. Criteria: ACMG Guidelines, 2015. Collection method: clinical testing. Allele origin: germline. Affected: yes.

OMIM
Classification: Pathogenic for CORTICAL DYSPLASIA, COMPLEX, WITH OTHER BRAIN MALFORMATIONS 14A (BILATERAL FRONTOPARIETAL). Last evaluated: 2004-03-26. Review status: no assertion criteria provided. Collection method: literature only. Allele origin: germline. Not counted in ClinVar's aggregate classification.

Literature cited by the submitters: PubMed 16240336 (cited by 4 submitters); PubMed 15044805 (cited by 5 submitters); PubMed 18042463 (cited by Natera, Inc. and Ambry Genetics); PubMed 21349848 (cited by 3 submitters); PubMed 27068534 (cited by Natera, Inc.); PubMed 22238662 (cited by 3 submitters); PubMed 17576745 (cited by Labcorp Genetics (formerly Invitae), Labcorp and Ambry Genetics); PubMed 23981349 (cited by Labcorp Genetics (formerly Invitae), Labcorp); PubMed 25922261 (cited by Labcorp Genetics (formerly Invitae), Labcorp); PubMed 2494962 (cited by Ambry Genetics); PubMed 3303730 (cited by Ambry Genetics); PubMed 21768377 (cited by Ambry Genetics); PubMed 24949629 (cited by Ambry Genetics); PubMed 27657451 (cited by Ambry Genetics); PubMed 33037308 (cited by Ambry Genetics).